The following is an entry in ClinVar:

NM_001999.4(FBN2):c.6450A>T (p.Ala2150=)

Gene: FBN2 (fibrillin 2; minus strand). Cytogenetic location: 5q23.3.
Variant type: single nucleotide variant.
Coding change: c.6450A>T on transcript NM_001999.4 (MANE Select); coding-DNA position 6450, A replaced by T.
Protein change: p.Ala2150=; no amino-acid change (alanine 2150 retained).
Molecular consequence: synonymous variant.
Genome position (GRCh38, 1-based): chr5:128,289,943, T>A on the plus strand (A>T on the coding strand, the complement: FBN2 is on the minus strand). VCF-style: chr5-128289943-T-A. GRCh37 (hg19) VCF-style: chr5-127625635-T-A.
Identifiers: ClinVar variation 509726 (VCV000509726.4), dbSNP rs1199375914, ClinGen allele CA446308532.
Genomic context (GRCh38, chr5:128,289,943, plus strand): 5'-TTCACGTGTATCATGAAGACTAGGGACAGTTCCATGGCCATATGGACACAAATCCTGAAA[T>A]GCAACTACAAAGAAAAATACAAATTCTCCATTATTGAAGACTTGAAATTATCAAAGAACT-3'
Protein context (NP_001990.2, residues 2140-2160): CELCPKDDEV[Ala2150=]FQDLCPYGHG

ClinVar aggregate classification (germline): Likely benign. Review status: criteria provided, multiple submitters, no conflicts (2 of 4 stars). 2 submissions from 2 submitters: Likely benign (2). Last evaluated 2022-12-01.

Conditions:
Congenital contractural arachnodactyly (CCA). Also called: BEALS SYNDROME; Arthrogryposis, distal, type 9; Beals-Hecht syndrome. Identifiers: Orphanet 115, MedGen C0220668, MONDO:0007363, OMIM 121050.

Allele frequency attached by ClinVar (database versions not stated): gnomAD exomes below 0.00001; TOPMed below 0.00001; gnomAD 0.00001.
gnomAD v4.1: 3 of 1,592,986 alleles (0.00019%); highest among the groups gnomAD compares: Non-Finnish European, 0.00026%; no homozygotes.

Submissions (2):

Labcorp Genetics (formerly Invitae), Labcorp
Classification: Likely benign for Congenital contractural arachnodactyly. Last evaluated: 2022-12-01. Review status: criteria provided, single submitter. Criteria: Invitae Variant Classification Sherloc (09022015). Collection method: clinical testing. Allele origin: germline.

GeneDx
Classification: Likely benign. Last evaluated: 2017-05-22. Review status: criteria provided, single submitter. Criteria: GeneDx Variant Classification (06012015). Collection method: clinical testing. Allele origin: germline. Affected: yes.
Comment: This variant is considered likely benign or benign based on one or more of the following criteria: it is a conservative change, it occurs at a poorly conserved position in the protein, it is predicted to be benign by multiple in silico algorithms, and/or has population frequency not consistent with disease.